The following is an entry in ClinVar:

NM_000821.7(GGCX):c.1107C>T (p.Leu369=)

Gene: GGCX (gamma-glutamyl carboxylase; minus strand). Cytogenetic location: 2p11.2.
Variant type: single nucleotide variant.
Coding change: c.1107C>T on transcript NM_000821.7 (MANE Select); coding-DNA position 1107, C replaced by T.
Protein change: p.Leu369=; no amino-acid change (leucine 369 retained).
Molecular consequence: synonymous variant.
Genome position (GRCh38, 1-based): chr2:85,553,280, G>A on the plus strand (C>T on the coding strand, the complement: GGCX is on the minus strand). VCF-style: chr2-85553280-G-A. GRCh37 (hg19) VCF-style: chr2-85780403-G-A.
Other names: c.936C>T, p.Leu312= (NM_001142269.4); c.1107C>T (NM_000821.6).
Identifiers: ClinVar variation 337267 (VCV000337267.11), dbSNP rs145056129, ClinGen allele CA1741924.

ClinVar aggregate classification (germline): Conflicting classifications of pathogenicity. Review status: criteria provided, conflicting classifications (1 of 4 stars). 3 submissions from 3 submitters: Uncertain significance (1); Likely benign (1). 1 of the submissions does not count toward it. Last evaluated 2026-01-26.

Conditions:
GGCX-related disorder. Also called: GGCX-related condition; GGCX - Related Disorders.
Vitamin K-dependent clotting factors, combined deficiency of, type 1. Also called: FACTORS II, VII, IX, AND X, COMBINED DEFICIENCY OF; FAMILIAL MULTIPLE COAGULATION FACTOR DEFICIENCY III; FMFD III; GLUTAMIC ACID, DEFICIENT GAMMA-CARBOXYLATION OF; MULTIPLE COAGULATION FACTOR DEFICIENCY III; VITAMIN K-DEPENDENT COAGULATION DEFECT. Identifiers: Orphanet 98434, MedGen C1848534, MONDO:0010187, OMIM 277450.

Allele frequency attached by ClinVar (database versions not stated): ESP Exome Variant Server 0.00008; TOPMed 0.00018; gnomAD 0.00029; 1000 Genomes Project 30x 0.00047; 1000 Genomes Project 0.00060.
gnomAD v4.1: 80 of 1,614,266 alleles (0.005%); highest among the groups gnomAD compares: African/African-American, 0.043%; no homozygotes.

Submissions (3):

Labcorp Genetics (formerly Invitae), Labcorp
Classification: Likely benign. Last evaluated: 2026-01-26. Review status: criteria provided, single submitter. Criteria: Invitae Variant Classification Sherloc (09022015). Collection method: clinical testing. Allele origin: germline.

Illumina Laboratory Services, Illumina
Classification: Uncertain significance for Vitamin K-dependent clotting factors, combined deficiency of, type 1. Last evaluated: 2018-01-13. Review status: criteria provided, single submitter. Criteria: ICSL Variant Classification Criteria 13 December 2019. Collection method: clinical testing. Allele origin: germline.

PreventionGenetics, part of Exact Sciences
Classification: Likely benign for GGCX-related condition. Last evaluated: 2022-06-02. Review status: no assertion criteria provided. Collection method: clinical testing. Allele origin: germline. Not counted in ClinVar's aggregate classification.
Comment: This variant is classified as likely benign based on ACMG/AMP sequence variant interpretation guidelines (Richards et al. 2015 PMID: 25741868, with internal and published modifications).